The following is an entry in ClinVar:

NM_000246.4(CIITA):c.2014C>T (p.Gln672Ter)

Gene: CIITA (class II major histocompatibility complex transactivator; plus strand). Cytogenetic location: 16p13.13.
Variant type: single nucleotide variant.
Coding change: c.2014C>T on transcript NM_000246.4 (MANE Select); coding-DNA position 2014, C replaced by T.
Protein change: p.Gln672Ter; replaces glutamine 672 with a stop codon.
Molecular consequence: nonsense. On other transcripts: intron variant (1).
Genome position (GRCh38, 1-based): chr16:10,907,506, C>T. VCF-style: chr16-10907506-C-T. GRCh37 (hg19) VCF-style: chr16-11001363-C-T.
Other names: c.2017C>T, p.Gln673Ter (NM_001286402.1, NM_001379332.1); c.1870C>T, p.Gln624Ter (NM_001379330.1); c.1867C>T, p.Gln623Ter (NM_001379331.1); c.2014C>T, p.Gln672Ter (NM_001379333.1); c.1945C>T, p.Gln649Ter (NM_001379334.1); c.860-1477C>T (NM_001286403.2); short protein forms Q623*, Q624*, Q649*, Q672*, Q673*.
Identifiers: ClinVar variation 1073259 (VCV001073259.7), dbSNP rs2144728494, ClinGen allele CA394732212.

ClinVar aggregate classification (germline): Pathogenic (1 of 4 stars; one submission).

Conditions:
MHC class II deficiency. Also called: BLS, TYPE II; Bare lymphocyte syndrome 2. Identifiers: Orphanet 572, MedGen C5447452, MONDO:0008855.

Submission:

Labcorp Genetics (formerly Invitae), Labcorp
Classification: Pathogenic for MHC class II deficiency. Last evaluated: 2021-12-01. Review status: criteria provided, single submitter. Criteria: Invitae Variant Classification Sherloc (09022015). Collection method: clinical testing. Allele origin: germline.
Comment: This sequence change creates a premature translational stop signal (p.Gln672*) in the CIITA gene. It is expected to result in an absent or disrupted protein product. Loss-of-function variants in CIITA are known to be pathogenic (PMID: 8402893, 9099848, 26271388). This variant is not present in population databases (gnomAD no frequency). This variant has not been reported in the literature in individuals affected with CIITA-related conditions. ClinVar contains an entry for this variant (Variation ID: 1073259). For these reasons, this variant has been classified as Pathogenic.

Literature cited by the submitters: PubMed 8402893; PubMed 9099848; PubMed 26271388.